The following is an entry in ClinVar:

ClinVar aggregate classification (germline): Likely benign. Review status: criteria provided, multiple submitters, no conflicts (2 of 4 stars). 3 submissions from 3 submitters: Likely benign (2). 1 of the submissions does not count toward it. Last evaluated 2024-09-14.

Conditions:
TCF12-related disorder. Also called: TCF12-related condition.

Allele frequency attached by ClinVar (database versions not stated): gnomAD exomes 0.00013 and 0.00033; ExAC 0.00040; 1000 Genomes Project 0.00100; ESP Exome Variant Server 0.00100; TOPMed 0.00117; gnomAD 0.00121 and 0.00131; 1000 Genomes Project 30x 0.00125.
gnomAD v4.1: 382 of 1,613,886 alleles (0.024%); highest among the groups gnomAD compares: African/African-American, 0.37%; 3 homozygotes.

Submissions (3):

Labcorp Genetics (formerly Invitae), Labcorp
Classification: Likely benign. Last evaluated: 2024-09-14. Review status: criteria provided, single submitter. Criteria: Invitae Variant Classification Sherloc (09022015). Collection method: clinical testing. Allele origin: germline.

Blueprint Genetics
Classification: Likely benign. Last evaluated: 2024-06-13. Review status: criteria provided, single submitter. Criteria: ACMG Guidelines, 2015. Collection method: clinical testing. Allele origin: germline.

PreventionGenetics, part of Exact Sciences
Classification: Benign for TCF12-related condition. Last evaluated: 2019-07-23. Review status: no assertion criteria provided. Collection method: clinical testing. Allele origin: germline. Not counted in ClinVar's aggregate classification.
Comment: This variant is classified as benign based on ACMG/AMP sequence variant interpretation guidelines (Richards et al. 2015 PMID: 25741868, with internal and published modifications).

NM_207037.2(TCF12):c.521C>T (p.Ala174Val)

Gene: TCF12 (transcription factor 12; plus strand). Cytogenetic location: 15q21.3.
Variant type: single nucleotide variant.
Coding change: c.521C>T on transcript NM_207037.2 (MANE Select); coding-DNA position 521, C replaced by T.
Protein change: p.Ala174Val; replaces alanine 174 with valine.
Molecular consequence: missense variant. On other transcripts: 5 prime UTR variant (1).
Genome position (GRCh38, 1-based): chr15:57,192,288, C>T. VCF-style: chr15-57192288-C-T. GRCh37 (hg19) VCF-style: chr15-57484486-C-T.
Other names: c.521C>T, p.Ala174Val (NM_001322151.2, NM_001322152.2, NM_001322157.3 and 7 more transcripts); c.-137C>T (NM_001322154.2); c.347C>T, p.Ala116Val (NM_001322156.2, NM_001322158.2); c.557C>T, p.Ala186Val (NM_001322164.2); short protein forms A174V, A186V, A116V.
Identifiers: ClinVar variation 784323 (VCV000784323.12), dbSNP rs142903330, ClinGen allele CA7580889.